The following is an entry in ClinVar:

NM_000496.3(CRYBB2):c.242G>A (p.Arg81His)

Gene: CRYBB2 (crystallin beta B2; plus strand). Cytogenetic location: 22q11.23.
Variant type: single nucleotide variant.
Coding change: c.242G>A on transcript NM_000496.3 (MANE Select); coding-DNA position 242, G replaced by A.
Protein change: p.Arg81His; replaces arginine 81 with histidine.
Molecular consequence: missense variant.
Genome position (GRCh38, 1-based): chr22:25,227,921, G>A. VCF-style: chr22-25227921-G-A. GRCh37 (hg19) VCF-style: chr22-25623888-G-A.
Other names: short protein forms R81H.
Identifiers: ClinVar variation 463970 (VCV000463970.9), dbSNP rs146763276, ClinGen allele CA10157972.

ClinVar aggregate classification (germline): Uncertain significance (1 of 4 stars; one submission).

Conditions:
Cataract 3 multiple types. Also called: CATARACT 3, MULTIPLE TYPES, WITH OR WITHOUT MICROCORNEA. Identifiers: Orphanet 1377, MedGen C1832175, MONDO:0011104, OMIM 601547.

Allele frequency attached by ClinVar (database versions not stated): gnomAD exomes 0.00002 and 0.00004; ExAC 0.00005; TOPMed 0.00006; gnomAD 0.00010; ESP Exome Variant Server 0.00015; 1000 Genomes Project 30x 0.00016; 1000 Genomes Project 0.00020.
gnomAD v4.1: 37 of 1,614,118 alleles (0.0023%); highest among the groups gnomAD compares: African/African-American, 0.023%; no homozygotes.

Submission:

Labcorp Genetics (formerly Invitae), Labcorp
Classification: Uncertain significance for Cataract 3 multiple types. Last evaluated: 2022-11-01. Review status: criteria provided, single submitter. Criteria: Invitae Variant Classification Sherloc (09022015). Collection method: clinical testing. Allele origin: germline.
Comment: Algorithms developed to predict the effect of missense changes on protein structure and function are either unavailable or do not agree on the potential impact of this missense change (SIFT: "Deleterious"; PolyPhen-2: "Benign"; Align-GVGD: "Class C25"). ClinVar contains an entry for this variant (Variation ID: 463970). This variant has not been reported in the literature in individuals affected with CRYBB2-related conditions. This variant is present in population databases (rs146763276, gnomAD 0.05%), and has an allele count higher than expected for a pathogenic variant. This sequence change replaces arginine, which is basic and polar, with histidine, which is basic and polar, at codon 81 of the CRYBB2 protein (p.Arg81His). In summary, the available evidence is currently insufficient to determine the role of this variant in disease. Therefore, it has been classified as a Variant of Uncertain Significance.